The following is an entry in ClinVar:

ClinVar aggregate classification (germline): Uncertain significance. Review status: criteria provided, multiple submitters, no conflicts (2 of 4 stars). 2 submissions from 2 submitters: Uncertain significance (2). Last evaluated 2025-10-18.

Conditions:
Inborn genetic diseases. Identifiers: MedGen C0950123, MeSH D030342.

Submissions (2):

Ambry Genetics
Classification: Uncertain significance for Inborn genetic diseases. Last evaluated: 2025-10-18. Review status: criteria provided, single submitter. Criteria: Ambry Variant Classification Scheme 2023. Collection method: clinical testing. Allele origin: germline.

Labcorp Genetics (formerly Invitae), Labcorp
Classification: Uncertain significance. Last evaluated: 2024-12-02. Review status: criteria provided, single submitter. Criteria: Invitae Variant Classification Sherloc (09022015). Collection method: clinical testing. Allele origin: germline.
Comment: This sequence change replaces asparagine, which is neutral and polar, with serine, which is neutral and polar, at codon 21 of the CHD5 protein (p.Asn21Ser). This variant is not present in population databases (gnomAD no frequency). This variant has not been reported in the literature in individuals affected with CHD5-related conditions. An algorithm developed to predict the effect of missense changes on protein structure and function (PolyPhen-2) suggests that this variant is likely to be tolerated. In summary, the available evidence is currently insufficient to determine the role of this variant in disease. Therefore, it has been classified as a Variant of Uncertain Significance.

NM_015557.3(CHD5):c.62A>G (p.Asn21Ser)

Gene: CHD5 (chromodomain helicase DNA binding protein 5; minus strand). Cytogenetic location: 1p36.31.
Variant type: single nucleotide variant.
Coding change: c.62A>G on transcript NM_015557.3 (MANE Select); coding-DNA position 62, A replaced by G.
Protein change: p.Asn21Ser; replaces asparagine 21 with serine.
Molecular consequence: missense variant.
Genome position (GRCh38, 1-based): chr1:6,179,962, T>C on the plus strand (A>G on the coding strand, the complement: CHD5 is on the minus strand). VCF-style: chr1-6179962-T-C. GRCh37 (hg19) VCF-style: chr1-6240022-T-C.
Other names: c.62A>G (NM_015557.2); short protein forms N21S.
Identifiers: ClinVar variation 3726492 (VCV003726492.3).
Genomic context (GRCh38, chr1:6,179,962, plus strand): 5'-GCCCCCGCCGCTCTGGCCCCAGGCGCACCCGCGCCCCGCTCACCTGACATCTCGTCCTCA[T>C]TCTCCATCTCCTCGGCGAACAGCCGCGGCAGCTCCTCCTCGGTGCCCACTGGGCCCCGCA-3'
Protein context (NP_056372.1, residues 11-31): LPRLFAEEME[Asn21Ser]EDEMSEEEDG